The following is an entry in ClinVar:

NM_004006.3(DMD):c.4528A>G (p.Lys1510Glu)

Gene: DMD (dystrophin; minus strand). Cytogenetic location: Xp21.1.
Variant type: single nucleotide variant.
Coding change: c.4528A>G on transcript NM_004006.3 (MANE Select); coding-DNA position 4528, A replaced by G.
Protein change: p.Lys1510Glu; replaces lysine 1510 with glutamic acid.
Molecular consequence: missense variant.
Genome position (GRCh38, 1-based): chrX:32,386,456, T>C on the plus strand (A>G on the coding strand, the complement: DMD is on the minus strand). VCF-style: chrX-32386456-T-C. GRCh37 (hg19) VCF-style: chrX-32404573-T-C.
Other names: c.4504A>G, p.Lys1502Glu (NM_000109.4); c.4516A>G, p.Lys1506Glu (NM_004009.3); c.4159A>G, p.Lys1387Glu (NM_004010.3); c.505A>G, p.Lys169Glu (NM_004011.4); c.496A>G, p.Lys166Glu (NM_004012.4); short protein forms K1502E, K166E, K1506E, K169E, K1387E, K1510E.
Identifiers: ClinVar variation 3634830 (VCV003634830.2).

ClinVar aggregate classification (germline): Uncertain significance (1 of 4 stars; one submission).

Conditions:
Duchenne muscular dystrophy (DMD). Also called: MUSCULAR DYSTROPHY, PSEUDOHYPERTROPHIC PROGRESSIVE, DUCHENNE TYPE; Duchenne Muscular Dystrophy (DMD). Identifiers: Orphanet 98896, MedGen C0013264, MONDO:0010679, OMIM 310200.

Submission:

Labcorp Genetics (formerly Invitae), Labcorp
Classification: Uncertain significance for Duchenne muscular dystrophy. Last evaluated: 2024-03-21. Review status: criteria provided, single submitter. Criteria: Invitae Variant Classification Sherloc (09022015). Collection method: clinical testing. Allele origin: germline.
Comment: This sequence change replaces lysine, which is basic and polar, with glutamic acid, which is acidic and polar, at codon 1510 of the DMD protein (p.Lys1510Glu). This variant is not present in population databases (gnomAD no frequency). This variant has not been reported in the literature in individuals affected with DMD-related conditions. Advanced modeling of protein sequence and biophysical properties (such as structural, functional, and spatial information, amino acid conservation, physicochemical variation, residue mobility, and thermodynamic stability) performed at Invitae indicates that this missense variant is not expected to disrupt DMD protein function with a negative predictive value of 95%. In summary, the available evidence is currently insufficient to determine the role of this variant in disease. Therefore, it has been classified as a Variant of Uncertain Significance.